The following is an entry in ClinVar:

NM_032638.5(GATA2):c.814G>C (p.Gly272Arg)

Gene: GATA2 (GATA binding protein 2; minus strand). Cytogenetic location: 3q21.3.
Variant type: single nucleotide variant.
Coding change: c.814G>C on transcript NM_032638.5 (MANE Select); coding-DNA position 814, G replaced by C.
Protein change: p.Gly272Arg; replaces glycine 272 with arginine.
Molecular consequence: missense variant.
Genome position (GRCh38, 1-based): chr3:128,485,784, C>G on the plus strand (G>C on the coding strand, the complement: GATA2 is on the minus strand). VCF-style: chr3-128485784-C-G. GRCh37 (hg19) VCF-style: chr3-128204627-C-G.
Other names: c.814G>C, p.Gly272Arg (NM_001145661.2, NM_001145662.1); short protein forms G272R.
Identifiers: ClinVar variation 960756 (VCV000960756.11), dbSNP rs367955980, ClinGen allele CA83371738.

ClinVar aggregate classification (germline): Uncertain significance. Review status: criteria provided, multiple submitters, no conflicts (2 of 4 stars). 3 submissions from 3 submitters: Uncertain significance (3). Last evaluated 2025-11-24.

Conditions:
Deafness-lymphedema-leukemia syndrome. Also called: Lymphedema, primary, with myelodysplasia; Emberger syndrome. Identifiers: Orphanet 3226, MedGen C3279664, MONDO:0013540, OMIM 614038.
Monocytopenia with susceptibility to infections. Also called: Dendritic cell, monocyte, B lymphocyte, and natural killer lymphocyte deficiency; MONOCYTOPENIA AND MYCOBACTERIAL INFECTION SYNDROME; MONOCYTOPENIA WITH SUSCEPTIBILITY TO MYCOBACTERIAL, FUNGAL, AND PAPILLOMAVIRUS INFECTIONS AND MYELODYSPLASIA; COMBINED IMMUNODEFICIENCY WITH SUSCEPTIBILITY TO MYCOBACTERIAL, VIRAL, AND FUNGAL INFECTIONS; GATA2 DEFICIENCY; IMMUNODEFICIENCY 21. Identifiers: Orphanet 228423, MedGen C3280030, MONDO:0013607, OMIM 614172.
Myelodysplastic syndrome (MDS). Also called: MYELODYSPLASTIC SYNDROME, SUSCEPTIBILITY TO; Myelodysplastic syndromes; Myelodysplastic syndrome, somatic. Identifiers: Orphanet 52688, MedGen C3463824, MeSH D009190, MONDO:0018881, OMIM 614286.
Acute myeloid leukemia (AML). Also called: Acute myeloid leukemia, adult; AML adult; Acute non-lymphocytic leukemia; Acute granulocytic leukemia; Leukemia, acute myelogenous, somatic; Leukemia, acute myeloid, somatic. Identifiers: Orphanet 519, MedGen C0023467, MeSH D015470, MONDO:0018874, OMIM 601626, HP:0004808. Disease mechanism: Constitutively activated FLT3.
Inborn genetic diseases. Identifiers: MedGen C0950123, MeSH D030342.

Allele frequency attached by ClinVar (database versions not stated): gnomAD exomes below 0.00001.
gnomAD v4.1: 4 of 1,614,000 alleles (0.00025%); highest among the groups gnomAD compares: East Asian, 0.0022%; no homozygotes.

Submissions (3):

Ambry Genetics
Classification: Uncertain significance for Inborn genetic diseases. Last evaluated: 2025-11-24. Review status: criteria provided, single submitter. Criteria: Ambry Variant Classification Scheme 2023. Collection method: clinical testing. Allele origin: germline.
Comment: The p.G272R variant (also known as c.814G>C), located in coding exon 2 of the GATA2 gene, results from a G to C substitution at nucleotide position 814. The glycine at codon 272 is replaced by arginine, an amino acid with dissimilar properties. This amino acid position is well conserved in available vertebrate species. In addition, this alteration is predicted to be deleterious by in silico analysis. Based on the available evidence, the clinical significance of this variant remains unclear.

Fulgent Genetics
Classification: Uncertain significance for Acute myeloid leukemia; Deafness-lymphedema-leukemia syndrome; Monocytopenia with susceptibility to infections; Myelodysplastic syndrome. Last evaluated: 2024-02-16. Review status: criteria provided, single submitter. Criteria: ACMG Guidelines, 2015. Collection method: clinical testing. Allele origin: germline.

Labcorp Genetics (formerly Invitae), Labcorp
Classification: Uncertain significance for Monocytopenia with susceptibility to infections; Deafness-lymphedema-leukemia syndrome. Last evaluated: 2022-05-19. Review status: criteria provided, single submitter. Criteria: Invitae Variant Classification Sherloc (09022015). Collection method: clinical testing. Allele origin: germline.
Comment: This sequence change replaces glycine, which is neutral and non-polar, with arginine, which is basic and polar, at codon 272 of the GATA2 protein (p.Gly272Arg). This variant is present in population databases (rs367955980, gnomAD 0.006%). This variant has not been reported in the literature in individuals affected with GATA2-related conditions. ClinVar contains an entry for this variant (Variation ID: 960756). Algorithms developed to predict the effect of missense changes on protein structure and function are either unavailable or do not agree on the potential impact of this missense change (SIFT: "Tolerated"; PolyPhen-2: "Probably Damaging"; Align-GVGD: "Class C0"). In summary, the available evidence is currently insufficient to determine the role of this variant in disease. Therefore, it has been classified as a Variant of Uncertain Significance.